The following is an entry in ClinVar:

NM_000245.4(MET):c.72G>A (p.Gly24=)

Gene: MET (MET proto-oncogene, receptor tyrosine kinase; plus strand). Cytogenetic location: 7q31.2.
Variant type: single nucleotide variant.
Coding change: c.72G>A on transcript NM_000245.4 (MANE Select); coding-DNA position 72, G replaced by A.
Protein change: p.Gly24=; no amino-acid change (glycine 24 retained).
Molecular consequence: synonymous variant. On other transcripts: intron variant (1).
Genome position (GRCh38, 1-based): chr7:116,699,156, G>A. VCF-style: chr7-116699156-G-A. GRCh37 (hg19) VCF-style: chr7-116339210-G-A.
Other names: c.72G>A, p.Gly24= (NM_001127500.3, NM_001324401.3); c.-91+26579G>A (NM_001324402.2).
Identifiers: ClinVar variation 826954 (VCV000826954.10), dbSNP rs770829669, ClinGen allele CA4447939.

ClinVar aggregate classification (germline): Benign/Likely benign. Review status: criteria provided, multiple submitters, no conflicts (2 of 4 stars). 3 submissions from 3 submitters: Benign (1); Likely benign (2). Last evaluated 2025-10-25.

Conditions:
Renal cell carcinoma. Identifiers: Orphanet 217071, MedGen C0007134, MeSH D002292, MONDO:0005086, HP:0005584.
Hereditary cancer-predisposing syndrome. Also called: Neoplastic Syndromes, Hereditary; Tumor predisposition; Hereditary neoplastic syndrome; Hereditary Cancer Syndrome. Identifiers: Orphanet 140162, MedGen C0027672, MeSH D009386, MONDO:0015356.
Papillary renal cell carcinoma type 1 (RCCP1). Also called: RENAL CELL CARCINOMA, PAPILLARY, 1, SOMATIC; Renal adenocarcinoma; Renal cell carcinoma 1; Renal cell carcinoma, somatic. Identifiers: Orphanet 47044, MedGen C1336839, OMIM 605074, HP:0011797.

Allele frequency attached by ClinVar (database versions not stated): gnomAD exomes below 0.00001; ExAC 0.00001; TOPMed 0.00002.
gnomAD v4.1: 3 of 1,613,882 alleles (0.00019%); highest among the groups gnomAD compares: African/African-American, 0.0027%; no homozygotes.

Submissions (3):

Labcorp Genetics (formerly Invitae), Labcorp
Classification: Likely benign for Renal cell carcinoma. Last evaluated: 2025-10-25. Review status: criteria provided, single submitter. Criteria: Invitae Variant Classification Sherloc (09022015). Collection method: clinical testing. Allele origin: germline.

Myriad Genetics, Inc.
Classification: Benign for Papillary renal cell carcinoma type 1. Last evaluated: 2024-11-05. Review status: criteria provided, single submitter. Criteria: Myriad Autosomal Dominant, Autosomal Recessive and X-Linked Classification Criteria (2023). Collection method: clinical testing. Allele origin: unknown.
Comment: This variant is considered benign. This variant is a silent/synonymous amino acid change and it is not expected to impact splicing.

Ambry Genetics
Classification: Likely benign for Hereditary cancer-predisposing syndrome. Last evaluated: 2019-01-03. Review status: criteria provided, single submitter. Criteria: Ambry Variant Classification Scheme 2023. Collection method: clinical testing. Allele origin: germline.